The following is an entry in ClinVar:

NM_001849.4(COL6A2):c.1735G>T (p.Gly579Cys)

Gene: COL6A2 (collagen type VI alpha 2 chain; plus strand). Cytogenetic location: 21q22.3.
Variant type: single nucleotide variant.
Coding change: c.1735G>T on transcript NM_001849.4 (MANE Select); coding-DNA position 1735, G replaced by T.
Protein change: p.Gly579Cys; replaces glycine 579 with cysteine.
Molecular consequence: missense variant.
Genome position (GRCh38, 1-based): chr21:46,124,885, G>T. VCF-style: chr21-46124885-G-T. GRCh37 (hg19) VCF-style: chr21-47544799-G-T.
Other names: c.1735G>T, p.Gly579Cys (NM_058174.3, NM_058175.3); short protein forms G579C.
Identifiers: ClinVar variation 4232403 (VCV004232403.2).

ClinVar aggregate classification (germline): Uncertain significance. Review status: criteria provided, multiple submitters, no conflicts (2 of 4 stars). 2 submissions from 2 submitters: Uncertain significance (2). Last evaluated 2025-08-22.

Conditions:
Bethlem myopathy 1A. Also called: MYOPATHY, BENIGN CONGENITAL, WITH CONTRACTURES; Bethlem Muscular Dystrophy; Bethlem myopathy 1. Identifiers: Orphanet 610, MedGen CN029274, MONDO:0024530, OMIM 158810.
Inborn genetic diseases. Identifiers: MedGen C0950123, MeSH D030342.

gnomAD v4.1: 2 of 1,612,874 alleles (0.00012%); highest among the groups gnomAD compares: Non-Finnish European, 0.00017%; no homozygotes.

Submissions (2):

Ambry Genetics
Classification: Uncertain significance for Inborn genetic diseases. Last evaluated: 2025-08-22. Review status: criteria provided, single submitter. Criteria: Ambry Variant Classification Scheme 2023. Collection method: clinical testing. Allele origin: germline.

Labcorp Genetics (formerly Invitae), Labcorp
Classification: Uncertain significance for Bethlem myopathy 1A. Last evaluated: 2025-02-02. Review status: criteria provided, single submitter. Criteria: Invitae Variant Classification Sherloc (09022015). Collection method: clinical testing. Allele origin: germline.
Comment: This sequence change replaces glycine, which is neutral and non-polar, with cysteine, which is neutral and slightly polar, at codon 579 of the COL6A2 protein (p.Gly579Cys). This variant is not present in population databases (gnomAD no frequency). This variant has not been reported in the literature in individuals affected with COL6A2-related conditions. An algorithm developed to predict the effect of missense changes on protein structure and function (PolyPhen-2) suggests that this variant is likely to be disruptive. Algorithms developed to predict the effect of sequence changes on RNA splicing suggest that this variant may disrupt the consensus splice site. This variant disrupts the triple helix domain of COL6A2. Glycine residues within the Gly-Xaa-Yaa repeats of the triple helix domain are required for the structure and stability of fibrillar collagens (PMID: 7695699, 8218237, 19344236). In COL6A2, missense variants at these glycine residues are significantly enriched in individuals with autosomal dominant disease (PMID: 15689448, 24038877) compared to the general population (ExAC). In summary, the available evidence is currently insufficient to determine the role of this variant in disease. Therefore, it has been classified as a Variant of Uncertain Significance.

Literature cited by the submitters: PubMed 7695699 (cited by Labcorp Genetics (formerly Invitae), Labcorp); PubMed 8218237 (cited by Labcorp Genetics (formerly Invitae), Labcorp); PubMed 19344236 (cited by Labcorp Genetics (formerly Invitae), Labcorp); PubMed 15689448 (cited by Labcorp Genetics (formerly Invitae), Labcorp); PubMed 24038877 (cited by Labcorp Genetics (formerly Invitae), Labcorp).